The following is an entry in ClinVar:

NM_012186.3(FOXE3):c.94C>G (p.Leu32Val)

Genes: FOXE3 (forkhead box E3; plus strand), LINC01389 (long intergenic non-protein coding RNA 1389; minus strand). Cytogenetic location: 1p33.
Variant type: single nucleotide variant.
Coding change: c.94C>G on transcript NM_012186.3 (MANE Select); coding-DNA position 94, C replaced by G.
Protein change: p.Leu32Val; replaces leucine 32 with valine.
Molecular consequence: missense variant.
Genome position (GRCh38, 1-based): chr1:47,416,409, C>G. VCF-style: chr1-47416409-C-G. GRCh37 (hg19) VCF-style: chr1-47882081-C-G.
Other names: short protein forms L32V.
Identifiers: ClinVar variation 3279571 (VCV003279571.1).
Genomic context (GRCh38, chr1:47,416,409, plus strand): 5'-GCGTTCTCTGGCTTCCCTGCCCTGCCAGCGGTCGCGCCGTCGGGGCCGCCGCCGTCGCCG[C>G]TCGCAGGAGCCGAGCCAGGGCGGGAGCCAGAGGAGGCGGCGGCTGGCCGCGGAGAGGCGG-3'
Protein context (NP_036318.1, residues 22-42): VAPSGPPPSP[Leu32Val]AGAEPGREPE

ClinVar aggregate classification (germline): Uncertain significance (1 of 4 stars; one submission).

Conditions:
Cardiovascular phenotype. Identifiers: MedGen CN230736.

Submission:

Ambry Genetics
Classification: Uncertain significance for Cardiovascular phenotype. Last evaluated: 2024-05-05. Review status: criteria provided, single submitter. Criteria: Ambry Variant Classification Scheme 2023. Collection method: clinical testing. Allele origin: germline.
Comment: The p.L32V variant (also known as c.94C>G), located in coding exon 1 of the FOXE3 gene, results from a C to G substitution at nucleotide position 94. The leucine at codon 32 is replaced by valine, an amino acid with highly similar properties. This amino acid position is conserved. In addition, this alteration is predicted to be tolerated by in silico analysis. Based on the available evidence, the clinical significance of this variant remains unclear.